The following is an entry in ClinVar:

NM_004655.4(AXIN2):c.2072C>A (p.Pro691His)

Gene: AXIN2 (axin 2; minus strand). Cytogenetic location: 17q24.1.
Variant type: single nucleotide variant.
Coding change: c.2072C>A on transcript NM_004655.4 (MANE Select); coding-DNA position 2072, C replaced by A.
Protein change: p.Pro691His; replaces proline 691 with histidine.
Molecular consequence: missense variant.
Genome position (GRCh38, 1-based): chr17:65,536,389, G>T on the plus strand (C>A on the coding strand, the complement: AXIN2 is on the minus strand). VCF-style: chr17-65536389-G-T. GRCh37 (hg19) VCF-style: chr17-63532507-G-T.
Other names: c.1877C>A, p.Pro626His (NM_001363813.1); short protein forms P691H, P626H.
Identifiers: ClinVar variation 1044558 (VCV001044558.12), dbSNP rs1567754067, ClinGen allele CA400676043.
Genomic context (GRCh38, chr17:65,536,389, plus strand): 5'-GGGGGCTTCGACACCTCAGCTAGCCTGCGACAGGCCTCCTCCAGCTGAGCCAGCGTGTTG[G>T]GTGGGGTCAGGGGAGGCATCGCAGGGTCCTGGGTGAACAGGTGGGCACGGGGGGTGGTGC-3'
Protein context (NP_004646.3, residues 681-701): QDPAMPPLTP[Pro691His]NTLAQLEEAC

ClinVar aggregate classification (germline): Uncertain significance. Review status: criteria provided, multiple submitters, no conflicts (2 of 4 stars). 2 submissions from 2 submitters: Uncertain significance (2). Last evaluated 2025-08-06.

Conditions:
Hereditary cancer-predisposing syndrome. Also called: Hereditary Cancer Syndrome; Tumor predisposition; Hereditary neoplastic syndrome; Neoplastic Syndromes, Hereditary. Identifiers: Orphanet 140162, MedGen C0027672, MeSH D009386, MONDO:0015356.
Oligodontia-cancer predisposition syndrome. Also called: TOOTH AGENESIS-COLORECTAL CANCER SYNDROME. Identifiers: Orphanet 300576, MedGen C1837750, MONDO:0012075, OMIM 608615. Disease mechanism: loss of function.

Submissions (2):

Labcorp Genetics (formerly Invitae), Labcorp
Classification: Uncertain significance for Oligodontia-cancer predisposition syndrome. Last evaluated: 2025-08-06. Review status: criteria provided, single submitter. Criteria: Invitae Variant Classification Sherloc (09022015). Collection method: clinical testing. Allele origin: germline.
Comment: This sequence change replaces proline, which is neutral and non-polar, with histidine, which is basic and polar, at codon 691 of the AXIN2 protein (p.Pro691His). This variant is not present in population databases (gnomAD no frequency). This variant has not been reported in the literature in individuals affected with AXIN2-related conditions. ClinVar contains an entry for this variant (Variation ID: 1044558). Invitae Evidence Modeling of protein sequence and biophysical properties (such as structural, functional, and spatial information, amino acid conservation, physicochemical variation, residue mobility, and thermodynamic stability) indicates that this missense variant is expected to disrupt AXIN2 protein function with a positive predictive value of 80%. In summary, the available evidence is currently insufficient to determine the role of this variant in disease. Therefore, it has been classified as a Variant of Uncertain Significance.

Ambry Genetics
Classification: Uncertain significance for Hereditary cancer-predisposing syndrome. Last evaluated: 2025-06-12. Review status: criteria provided, single submitter. Criteria: Ambry Variant Classification Scheme 2023. Collection method: clinical testing. Allele origin: germline.
Comment: The p.P691H variant (also known as c.2072C>A), located in coding exon 7 of the AXIN2 gene, results from a C to A substitution at nucleotide position 2072. The proline at codon 691 is replaced by histidine, an amino acid with similar properties. This amino acid position is conserved. In addition, this alteration is predicted to be deleterious by in silico analysis. Since supporting evidence is limited at this time, the clinical significance of this alteration remains unclear.